The following is an entry in ClinVar:

ClinVar aggregate classification (germline): Uncertain significance (1 of 4 stars; one submission).

Conditions:
Hereditary cancer-predisposing syndrome. Also called: Hereditary Cancer Syndrome; Hereditary neoplastic syndrome; Tumor predisposition; Neoplastic Syndromes, Hereditary. Identifiers: Orphanet 140162, MedGen C0027672, MeSH D009386, MONDO:0015356.

Submission:

Ambry Genetics
Classification: Uncertain significance for Hereditary cancer-predisposing syndrome. Last evaluated: 2020-10-13. Review status: criteria provided, single submitter. Criteria: Ambry Variant Classification Scheme 2023. Collection method: clinical testing. Allele origin: germline.
Comment: The p.E763Q variant (also known as c.2287G>C), located in coding exon 15 of the APC gene, results from a G to C substitution at nucleotide position 2287. The glutamic acid at codon 763 is replaced by glutamine, an amino acid with highly similar properties. This amino acid position is highly conserved in available vertebrate species. In addition, in silico predictors for this gene do not accurately predict pathogenicity. Since supporting evidence is limited at this time, the clinical significance of this alteration remains unclear.

NM_000038.6(APC):c.2287G>C (p.Glu763Gln)

Gene: APC (APC regulator of Wnt signaling pathway; plus strand). Cytogenetic location: 5q22.2.
Variant type: single nucleotide variant.
Coding change: c.2287G>C on transcript NM_000038.6 (MANE Select); coding-DNA position 2287, G replaced by C.
Protein change: p.Glu763Gln; replaces glutamic acid 763 with glutamine.
Molecular consequence: missense variant.
Genome position (GRCh38, 1-based): chr5:112,837,881, G>C. VCF-style: chr5-112837881-G-C. GRCh37 (hg19) VCF-style: chr5-112173578-G-C.
Other names: c.2287G>C, p.Glu763Gln (NM_001127510.3, NM_001354895.2, NM_001407450.1); c.2233G>C, p.Glu745Gln (NM_001127511.3); c.2341G>C, p.Glu781Gln (NM_001354896.2, NM_001407447.1, NM_001407448.1 and 1 more transcripts); c.2317G>C, p.Glu773Gln (NM_001354897.2); c.2212G>C, p.Glu738Gln (NM_001354898.2); c.2203G>C, p.Glu735Gln (NM_001354899.2); c.2164G>C, p.Glu722Gln (NM_001354900.2); c.2110G>C, p.Glu704Gln (NM_001354901.2, NM_001407453.1); and 11 more; short protein forms E603Q, E662Q, E672Q, E480Q, E637Q, E735Q, E753Q, E773Q.
Identifiers: ClinVar variation 1789033 (VCV001789033.2), dbSNP rs1580620163, ClinGen allele CA16026341.